The following is an entry in ClinVar:

ClinVar aggregate classification (germline): Pathogenic (1 of 4 stars; one submission).

Submissions (2):

Labcorp Genetics (formerly Invitae), Labcorp
Classification: Pathogenic. Last evaluated: 2021-12-27. Review status: criteria provided, single submitter. Criteria: Invitae Variant Classification Sherloc (09022015). Collection method: clinical testing. Allele origin: germline.
Comment: For these reasons, this variant has been classified as Pathogenic. Algorithms developed to predict the effect of sequence changes on RNA splicing suggest that this variant may disrupt the consensus splice site. Disruption of this splice site has been observed in individuals with hypophosphatemic rickets (PMID: 10439971, 18625346, 34141703). This variant is not present in population databases (gnomAD no frequency). This sequence change affects a donor splice site in intron 15 of the PHEX gene. It is expected to disrupt RNA splicing. Variants that disrupt the donor or acceptor splice site typically lead to a loss of protein function (PMID: 16199547), and loss-of-function variants in PHEX are known to be pathogenic (PMID: 9097956, 9106524, 19219621).

Dr. Peter K. Rogan Lab, Western University
No classification provided (evidence only). Condition: Thyroid cancer, nonmedullary, 1. Review status: no classification provided. Collection method: in vitro. Allele origin: not applicable. Functional consequence: retained intron. Not counted in ClinVar's aggregate classification.

Literature cited by the submitters: PubMed 10439971 (cited by Labcorp Genetics (formerly Invitae), Labcorp); PubMed 18625346 (cited by Labcorp Genetics (formerly Invitae), Labcorp); PubMed 34141703 (cited by Labcorp Genetics (formerly Invitae), Labcorp); PubMed 16199547 (cited by Labcorp Genetics (formerly Invitae), Labcorp); PubMed 9097956 (cited by Labcorp Genetics (formerly Invitae), Labcorp); PubMed 9106524 (cited by Labcorp Genetics (formerly Invitae), Labcorp); PubMed 19219621 (cited by Labcorp Genetics (formerly Invitae), Labcorp).

NM_000444.6(PHEX):c.1645+1G>T

Gene: PHEX (phosphate regulating endopeptidase X-linked; plus strand). Cytogenetic location: Xp22.11.
Variant type: single nucleotide variant.
Coding change: c.1645+1G>T on transcript NM_000444.6 (MANE Select); the canonical splice donor site of the intron after coding-DNA position 1645, G replaced by T.
Molecular consequence: splice donor variant.
Genome position (GRCh38, 1-based): chrX:22,190,503, G>T. VCF-style: chrX-22190503-G-T. GRCh37 (hg19) VCF-style: chrX-22208620-G-T.
Other names: c.1645+1G>T (NM_001282754.2).
Identifiers: ClinVar variation 2062661 (VCV002062661.5), dbSNP rs886041225, ClinGen allele CA412575153.